The following is an entry in ClinVar:

ClinVar aggregate classification (germline): Pathogenic (1 of 4 stars; one submission).

Conditions:
Recessive dystrophic epidermolysis bullosa (RDEB). Also called: DYSTROPHIC EPIDERMOLYSIS BULLOSA, AUTOSOMAL RECESSIVE; EPIDERMOLYSIS BULLOSA DYSTROPHICA, HALLOPEAU-SIEMENS TYPE; Hallopeau-Siemens Disease; severe generalized recessive dystrophic epidermolysis bullosa; EPIDERMOLYSIS BULLOSA DYSTROPHICA, GENERALIZED SEVERE, AUTOSOMAL RECESSIVE; Epidermolysis Bullosa Distrophica Autosomal Recessive (RDEB). Identifiers: Orphanet 79408, Orphanet 79409, MedGen C0079474, MONDO:0009179, OMIM 226600.

Submission:

Myriad Genetics, Inc.
Classification: Pathogenic for Recessive dystrophic epidermolysis bullosa. Last evaluated: 2026-04-01. Review status: criteria provided, single submitter. Criteria: Myriad Autosomal Dominant, Autosomal Recessive and X-Linked Classification Criteria (2023). Collection method: clinical testing. Allele origin: unknown.
Comment: NM_000094.3(COL7A1):c.7059delTinsCG(E2355Gfs*16) is expected to be pathogenic in the context of dystrophic epidermolysis bullosa. This variant is predicted to lead to an abnormal or absent protein product due to the creation of a premature termination codon in COL7A1, a gene where loss-of-function variants are known to be pathogenic. Please note: this variant was assessed in the context of healthy population screening.

NM_000094.4(COL7A1):c.7059delinsCG (p.Glu2355fs)

Gene: COL7A1 (collagen type VII alpha 1 chain; minus strand). Cytogenetic location: 3p21.31.
Variant type: Indel.
Coding change: c.7059delinsCG on transcript NM_000094.4 (MANE Select); coding-DNA position 7059, T replaced by CG.
Protein change: p.Glu2355fs; shifts the reading frame from glutamic acid 2355.
Molecular consequence: frameshift variant.
Genome position (GRCh38, 1-based): chr3:48,572,010, A replaced by CG on the plus strand (T replaced by CG on the coding strand, the reverse complement: COL7A1 is on the minus strand). VCF-style: chr3-48572010-A-CG. GRCh37 (hg19) VCF-style: chr3-48609443-A-CG.
Other names: short protein forms E2355fs.
Identifiers: ClinVar variation 5015756 (VCV005015756.1).